The following is an entry in ClinVar:

NM_001350162.2(TEX15):c.8346dup (p.Pro2783fs)

Gene: TEX15 (testis expressed 15, meiosis and synapsis associated; minus strand). Cytogenetic location: 8p12.
Variant type: Duplication.
Coding change: c.8346dup on transcript NM_001350162.2 (MANE Select); coding-DNA position 8346, one base duplicated (A; older notation c.8346dupA).
Protein change: p.Pro2783fs; shifts the reading frame from proline 2783.
Molecular consequence: frameshift variant.
Genome position (GRCh38, 1-based): chr8:30,837,938, T duplicated on the plus strand (A on the coding strand, the reverse complement: TEX15 is on the minus strand). VCF-style (leftmost placement, unchanged base first): chr8-30837937-G-GT. GRCh37 (hg19) VCF-style: chr8-30695453-G-GT.
Other names: c.7197dupA (NM_031271.3); short protein forms P2783fs.
Identifiers: ClinVar variation 4996899 (VCV004996899.1).

ClinVar aggregate classification (germline): Likely pathogenic (1 of 4 stars; one submission).

Conditions:
TEX15-related disorder. Also called: TEX15-related condition.

Submission:

PreventionGenetics, part of Exact Sciences
Classification: Likely pathogenic for TEX15-related condition. Last evaluated: 2024-10-30. Review status: criteria provided, single submitter. Criteria: ACMG Guidelines, 2015. Collection method: clinical testing. Allele origin: germline.
Comment: The TEX15 c.7197dupA variant is predicted to result in a frameshift and premature protein termination (p.Pro2400Thrfs*24). To our knowledge, this variant has not been reported in the literature or in a large population database (gnomAD), indicating this variant is rare. Frameshift variants in TEX15 are expected to be pathogenic. This variant is interpreted as likely pathogenic.